The following is an entry in ClinVar:

ClinVar aggregate classification (germline): Uncertain significance (1 of 4 stars; one submission).

Conditions:
Spastic ataxia 4. Identifiers: Orphanet 254343, MedGen C3150925, MONDO:0013354, OMIM 613672.

Allele frequency attached by ClinVar (database versions not stated): gnomAD exomes 0.00001.
gnomAD v4.1: 11 of 1,614,114 alleles (0.00068%); highest among the groups gnomAD compares: Non-Finnish European, 0.00093%; no homozygotes.

Submission:

Victorian Clinical Genetics Services, Murdoch Childrens Research Institute
Classification: Uncertain significance for Spastic ataxia 4. Last evaluated: 2022-02-02. Review status: criteria provided, single submitter. Criteria: ACMG Guidelines, 2015. Collection method: clinical testing. Allele origin: germline. Inheritance: Autosomal recessive inheritance.
Comment: Based on the classification scheme VCGS_Germline_v1.3.4, this variant is classified as VUS-3B. Following criteria are met: 0102 - Loss of function has been reported to be a mechanism of disease in this gene in association with an MTPAP-related disorder (MIM#613672; PMID: 31779033). However, the gene-disease association is not clearly established. (I) 0106 - This gene has been reported to be associated with autosomal recessive disease. (I) 0200 - Variant is predicted to result in a missense amino acid change from arginine to tryptophan. (I) 0251 - This variant is heterozygous. (I) 0301 - Variant is absent from gnomAD (both v2 and v3). (SP) 0309 - An alternative amino acid change at the same position has been observed in gnomAD (v2; 5 heterozygotes, 0 homozygotes). (I) 0502 - Missense variant with conflicting in silico predictions and uninformative conservation. (I) 0600 - Variant is located in the annotated fingers domain (PMID: 26319014). (I) 0705 - No comparable missense variants have previous evidence for pathogenicity. (I) 0807 - This variant has no previous evidence of pathogenicity. This family, however, has been published in the literature (PMID: 31779033). (I) 1002 - This variant has moderate functional evidence supporting abnormal protein function. Studies on fibroblasts from affected individuals from this family demonstrated reduced polyadenylation of mitochondrial transcripts and altered expression of mitochondrial proteins, relative to fibroblasts from a control (PMID: 31779033). (I) Legend: (SP) - Supporting pathogenic, (I) - Information, (SB) - Supporting benign

Literature cited by the submitters: PubMed 26319014; PubMed 31779033.

NM_018109.4(MTPAP):c.1567C>T (p.Arg523Trp)

Gene: MTPAP (mitochondrial poly(A) polymerase; minus strand). Cytogenetic location: 10p11.23.
Variant type: single nucleotide variant.
Coding change: c.1567C>T on transcript NM_018109.4 (MANE Select); coding-DNA position 1567, C replaced by T.
Protein change: p.Arg523Trp; replaces arginine 523 with tryptophan.
Molecular consequence: missense variant.
Genome position (GRCh38, 1-based): chr10:30,313,791, G>A on the plus strand (C>T on the coding strand, the complement: MTPAP is on the minus strand). VCF-style: chr10-30313791-G-A. GRCh37 (hg19) VCF-style: chr10-30602720-G-A.
Other names: short protein forms R523W.
Identifiers: ClinVar variation 1805662 (VCV001805662.1), dbSNP rs1467669107, ClinGen allele CA376434433.
Genomic context (GRCh38, chr10:30,313,791, plus strand): 5'-TGGTAAAGGACTTTCTGTTTGGAGCAGATGGTAGCAATAGGGATACCAGCCCCCAGGGCC[G>A]ATTACTTGATATGGAAGGTCGATCTGTATCTTCCTGTTGTAAAATCCAGGCACTTTCTCG-3'
Protein context (NP_060579.3, residues 513-533): DTDRPSISSN[Arg523Trp]PWGLVSLLLP